The following is an entry in ClinVar:

ClinVar aggregate classification (germline): Likely pathogenic (1 of 4 stars; one submission).

Conditions:
Usher syndrome. Also called: Usher Syndromes; Usher's syndrome. Identifiers: Orphanet 886, MedGen CN469326, MeSH D052245, MONDO:0019501. Disease mechanism: loss of function.

Submission:

Ophthalmic Genetics Group, Institute of Molecular and Clinical Ophthalmology Basel
Classification: Likely pathogenic for Usher syndrome. Last evaluated: 2023-07-24. Review status: criteria provided, single submitter. Criteria: ACMG Guidelines, 2015. Collection method: research. Allele origin: germline. Affected: yes. Observed: 1 variant allele.
Comment: Clinical significance based on ACMG v2.0

This variant was classified as Likely pathogenic based on ACMG criteria: PVS1, PM2.

Literature cited by the submitters: PubMed 36909829.

NM_206933.4(USH2A):c.9315del (p.Val3106fs)

Gene: USH2A (usherin; minus strand). Cytogenetic location: 1q41.
Variant type: Deletion.
Coding change: c.9315del on transcript NM_206933.4 (MANE Select); coding-DNA position 9315, one base deleted (T; older notation c.9315delT).
Protein change: p.Val3106fs; shifts the reading frame from valine 3106.
Molecular consequence: frameshift variant.
Genome position (GRCh38, 1-based): chr1:215,838,047, A deleted on the plus strand (T on the coding strand, the reverse complement: USH2A is on the minus strand). VCF-style (leftmost placement, unchanged base first): chr1-215838046-CA-C. GRCh37 (hg19) VCF-style: chr1-216011388-CA-C.
Other names: NC_000001.10:g.216011389del; NP_996816.3:p.(Val3106TrpfsTer54); short protein forms V3106fs.
Identifiers: ClinVar variation 2577502 (VCV002577502.2), dbSNP rs2464586115, ClinGen allele CA2580617437.